The following is an entry in ClinVar:

ClinVar aggregate classification (germline): Uncertain significance (1 of 4 stars; one submission).

Conditions:
Inborn genetic diseases. Identifiers: MedGen C0950123, MeSH D030342.

Submission:

Ambry Genetics
Classification: Uncertain significance for Inborn genetic diseases. Last evaluated: 2025-02-12. Review status: criteria provided, single submitter. Criteria: Ambry Variant Classification Scheme 2023. Collection method: clinical testing. Allele origin: germline.
Comment: The p.N599D variant (also known as c.1795A>G), located in coding exon 11 of the FANCM gene, results from an A to G substitution at nucleotide position 1795. The asparagine at codon 599 is replaced by aspartic acid, an amino acid with highly similar properties. This amino acid position is conserved. In addition, this alteration is predicted to be tolerated by in silico analysis. Based on the available evidence, the clinical significance of this variant remains unclear.

NM_020937.4(FANCM):c.1795A>G (p.Asn599Asp)

Gene: FANCM (FA complementation group M; plus strand). Cytogenetic location: 14q21.2.
Variant type: single nucleotide variant.
Coding change: c.1795A>G on transcript NM_020937.4 (MANE Select); coding-DNA position 1795, A replaced by G.
Protein change: p.Asn599Asp; replaces asparagine 599 with aspartic acid.
Molecular consequence: missense variant.
Genome position (GRCh38, 1-based): chr14:45,166,956, A>G. VCF-style: chr14-45166956-A-G. GRCh37 (hg19) VCF-style: chr14-45636159-A-G.
Other names: c.1717A>G, p.Asn573Asp (NM_001308133.2); c.1795A>G, p.Asn599Asp (NM_001308134.2); short protein forms N573D, N599D.
Identifiers: ClinVar variation 3848726 (VCV003848726.1).